The following is an entry in ClinVar:

ClinVar aggregate classification (germline): Benign. Review status: criteria provided, multiple submitters, no conflicts (2 of 4 stars). 3 submissions from 3 submitters: Benign (3). Last evaluated 2026-01-26.

Conditions:
Congenital ichthyosis of skin. Identifiers: MedGen C0020758.

Allele frequency attached by ClinVar (database versions not stated): 1000 Genomes Project 30x 0.01312; ESP Exome Variant Server 0.01322; gnomAD exomes 0.00277; ExAC 0.00350; gnomAD 0.01029 and 0.01091; TOPMed 0.01139; 1000 Genomes Project 0.01218.
gnomAD v4.1: 3,172 of 1,614,106 alleles (0.2%); highest among the groups gnomAD compares: African/African-American, 3.6%; 47 homozygotes.

Submissions (3):

Labcorp Genetics (formerly Invitae), Labcorp
Classification: Benign. Last evaluated: 2026-01-26. Review status: criteria provided, single submitter. Criteria: Invitae Variant Classification Sherloc (09022015). Collection method: clinical testing. Allele origin: germline.

Illumina Laboratory Services, Illumina
Classification: Benign for Congenital ichthyosis of skin. Last evaluated: 2018-01-12. Review status: criteria provided, single submitter. Criteria: ICSL Variant Classification Criteria 13 December 2019. Collection method: clinical testing. Allele origin: germline.
Comment: This variant was observed in the ICSL laboratory as part of a predisposition screen in an ostensibly healthy population. It had not been previously curated by ICSL or reported in the Human Gene Mutation Database (HGMD: prior to June 1st, 2018), and was therefore a candidate for classification through an automated scoring system. Utilizing variant allele frequency, disease prevalence and penetrance estimates, and inheritance mode, an automated score was calculated to assess if this variant is too frequent to cause the disease. Based on the score and internal cut-off values, a variant classified as benign is not then subjected to further curation. The score for this variant resulted in a classification of benign for this disease.

Breakthrough Genomics
Classification: Benign. Review status: criteria provided, single submitter. Criteria: ACMG Guidelines, 2015. Collection method: not provided. Allele origin: germline. Inheritance: Autosomal recessive inheritance. Affected: yes.

NM_173076.3(ABCA12):c.1428G>A (p.Ala476=)

Gene: ABCA12 (ATP binding cassette subfamily A member 12; minus strand). Cytogenetic location: 2q35.
Variant type: single nucleotide variant.
Coding change: c.1428G>A on transcript NM_173076.3 (MANE Select); coding-DNA position 1428, G replaced by A.
Protein change: p.Ala476=; no amino-acid change (alanine 476 retained).
Molecular consequence: synonymous variant. On other transcripts: non-coding transcript variant (1).
Genome position (GRCh38, 1-based): chr2:215,019,656, C>T on the plus strand (G>A on the coding strand, the complement: ABCA12 is on the minus strand). VCF-style: chr2-215019656-C-T. GRCh37 (hg19) VCF-style: chr2-215884380-C-T.
Other names: c.474G>A, p.Ala158= (NM_015657.4).
Identifiers: ClinVar variation 334265 (VCV000334265.15), dbSNP rs76834896, ClinGen allele CA2092234.
Genomic context (GRCh38, chr2:215,019,656, plus strand): 5'-TTTAGATATGACATTGTCATGGTACAGTAAGCTGGCTGCTATTTCGGTGCCCAGCTCTGC[C>T]GCTTCGAGGAGTTGCAGATCAAACTCACTTTCTTCACACAGGCTCCCAAAGCTCATATCA-3'
Protein context (NP_775099.2, residues 466-486): ESEFDLQLLE[Ala476=]AELGTEIAAS